The following is an entry in ClinVar:

ClinVar aggregate classification (germline): Likely benign (0 of 4 stars; one submission).

Conditions:
YY1-related disorder. Also called: YY1-related condition.

Allele frequency attached by ClinVar (database versions not stated): gnomAD 0.00001; TOPMed 0.00001.
gnomAD v4.1: 10 of 1,614,044 alleles (0.00062%); highest among the groups gnomAD compares: Non-Finnish European, 0.00085%; no homozygotes.

Submission:

PreventionGenetics, part of Exact Sciences
Classification: Likely benign for YY1-related condition. Last evaluated: 2023-10-20. Review status: no assertion criteria provided. Collection method: clinical testing. Allele origin: germline.
Comment: This variant is classified as likely benign based on ACMG/AMP sequence variant interpretation guidelines (Richards et al. 2015 PMID: 25741868, with internal and published modifications).

NM_003403.5(YY1):c.*9G>A

Gene: YY1 (YY1 transcription factor; plus strand). Cytogenetic location: 14q32.2.
Variant type: single nucleotide variant.
Coding change: c.*9G>A on transcript NM_003403.5 (MANE Select); 9 bases downstream of the stop codon, G replaced by A.
Molecular consequence: 3 prime UTR variant.
Genome position (GRCh38, 1-based): chr14:100,277,609, G>A. VCF-style: chr14-100277609-G-A. GRCh37 (hg19) VCF-style: chr14-100743946-G-A.
Identifiers: ClinVar variation 3031941 (VCV003031941.2), dbSNP rs1304671132, ClinGen allele CA703006460.